The following is an entry in ClinVar:

NM_000368.5(TSC1):c.2851C>A (p.Gln951Lys)

Gene: TSC1 (TSC complex subunit 1; minus strand). Cytogenetic location: 9q34.13.
Variant type: single nucleotide variant.
Coding change: c.2851C>A on transcript NM_000368.5 (MANE Select); coding-DNA position 2851, C replaced by A.
Protein change: p.Gln951Lys; replaces glutamine 951 with lysine.
Molecular consequence: missense variant. On other transcripts: non-coding transcript variant (5).
Genome position (GRCh38, 1-based): chr9:132,897,308, G>T on the plus strand (C>A on the coding strand, the complement: TSC1 is on the minus strand). VCF-style: chr9-132897308-G-T. GRCh37 (hg19) VCF-style: chr9-135772695-G-T.
Other names: c.2848C>A, p.Gln950Lys (NM_001162426.2, NM_001406597.1, NM_001406598.1 and 2 more transcripts); c.2698C>A, p.Gln900Lys (NM_001162427.2, NM_001406610.1); c.2488C>A, p.Gln830Lys (NM_001362177.2, NM_001406614.1, NM_001406615.1 and 4 more transcripts); c.2851C>A, p.Gln951Lys (NM_001406592.1, NM_001406593.1, NM_001406594.1 and 2 more transcripts); c.2836C>A, p.Gln946Lys (NM_001406601.1, NM_001406602.1); c.2653C>A, p.Gln885Lys (NM_001406613.1); c.2485C>A, p.Gln829Lys (NM_001406620.1, NM_001406621.1, NM_001406622.1 and 1 more transcripts); c.2446C>A, p.Gln816Lys (NM_001406624.1); and 8 more; short protein forms Q600K, Q633K, Q634K, Q815K, Q816K, Q829K, Q830K, Q885K.
Identifiers: ClinVar variation 3071282 (VCV003071282.1), dbSNP rs2538481248, ClinGen allele CA375368872.

ClinVar aggregate classification (germline): Uncertain significance (1 of 4 stars; one submission).

Conditions:
Tuberous sclerosis syndrome (TSC). Also called: Tuberous Sclerosis Complex; Tuberous sclerosis. Identifiers: Orphanet 805, MedGen C0041341, MONDO:0001734.

Submission:

All of Us Research Program, National Institutes of Health
Classification: Uncertain significance for Tuberous sclerosis syndrome. Last evaluated: 2023-05-31. Review status: criteria provided, single submitter. Criteria: ACMG Guidelines, 2015. Collection method: clinical testing. Allele origin: germline. Inheritance: Autosomal dominant inheritance. Observed: 1 variant allele, 1 heterozygote.
Comment: This study involves interpretation of variants in research participants for the purpose of population health screening. Participant phenotype was not available at the time of variant classification. Additional details can be found in publication PMID: 35346344, PMCID: PMC8962531